The following is an entry in ClinVar:

ClinVar aggregate classification (germline): Uncertain significance (1 of 4 stars; one submission).

Conditions:
Inborn genetic diseases. Identifiers: MedGen C0950123, MeSH D030342.

Submission:

Ambry Genetics
Classification: Uncertain significance for Inborn genetic diseases. Last evaluated: 2025-09-01. Review status: criteria provided, single submitter. Criteria: Ambry Variant Classification Scheme 2023. Collection method: clinical testing. Allele origin: germline.
Comment: The p.P284L variant (also known as c.851C>T), located in coding exon 7 of the PAX5 gene, results from a C to T substitution at nucleotide position 851. The proline at codon 284 is replaced by leucine, an amino acid with similar properties. This amino acid position is conserved. In addition, this alteration is predicted to be deleterious by in silico analysis. Based on the available evidence, the clinical significance of this variant remains unclear.

NM_016734.3(PAX5):c.851C>T (p.Pro284Leu)

Gene: PAX5 (paired box 5; minus strand). Cytogenetic location: 9p13.2.
Variant type: single nucleotide variant.
Coding change: c.851C>T on transcript NM_016734.3 (MANE Select); coding-DNA position 851, C replaced by T.
Protein change: p.Pro284Leu; replaces proline 284 with leucine.
Molecular consequence: missense variant. On other transcripts: intron variant (2).
Genome position (GRCh38, 1-based): chr9:36,923,414, G>A on the plus strand (C>T on the coding strand, the complement: PAX5 is on the minus strand). VCF-style: chr9-36923414-G-A. GRCh37 (hg19) VCF-style: chr9-36923411-G-A.
Other names: c.851C>T, p.Pro284Leu (NM_001280548.2, NM_001280552.2, NM_001280547.2); c.527C>T, p.Pro176Leu (NM_001280551.2, NM_001280556.2); c.722C>T, p.Pro241Leu (NM_001280553.2, NM_001280554.2); c.653C>T, p.Pro218Leu (NM_001280555.2); c.780+43135C>T (NM_001280550.2, NM_001280549.2); short protein forms P176L, P284L, P218L, P241L.
Identifiers: ClinVar variation 4131440 (VCV004131440.1).